The following is an entry in ClinVar:

ClinVar aggregate classification (germline): Uncertain significance (1 of 4 stars; one submission).

Conditions:
Familial hemophagocytic lymphohistiocytosis 5. Also called: STXBP2-Related Familial Hemophagocytic Lymphohistiocytosis (STXBP2-fHLH). Identifiers: Orphanet 540, MedGen C2751293, MONDO:0013135, OMIM 613101.

Submission:

Labcorp Genetics (formerly Invitae), Labcorp
Classification: Uncertain significance for Familial hemophagocytic lymphohistiocytosis 5. Last evaluated: 2025-03-05. Review status: criteria provided, single submitter. Criteria: Invitae Variant Classification Sherloc (09022015). Collection method: clinical testing. Allele origin: germline.
Comment: This sequence change replaces glycine, which is neutral and non-polar, with arginine, which is basic and polar, at codon 455 of the STXBP2 protein (p.Gly455Arg). This variant is not present in population databases (gnomAD no frequency). This variant has not been reported in the literature in individuals affected with STXBP2-related conditions. Invitae Evidence Modeling of protein sequence and biophysical properties (such as structural, functional, and spatial information, amino acid conservation, physicochemical variation, residue mobility, and thermodynamic stability) indicates that this missense variant is not expected to disrupt STXBP2 protein function with a negative predictive value of 95%. In summary, the available evidence is currently insufficient to determine the role of this variant in disease. Therefore, it has been classified as a Variant of Uncertain Significance.

NM_006949.4(STXBP2):c.1363G>A (p.Gly455Arg)

Gene: STXBP2 (syntaxin binding protein 2; plus strand). Cytogenetic location: 19p13.2.
Variant type: single nucleotide variant.
Coding change: c.1363G>A on transcript NM_006949.4 (MANE Select); coding-DNA position 1363, G replaced by A.
Protein change: p.Gly455Arg; replaces glycine 455 with arginine.
Molecular consequence: missense variant. On other transcripts: non-coding transcript variant (1).
Genome position (GRCh38, 1-based): chr19:7,646,255, G>A. VCF-style: chr19-7646255-G-A. GRCh37 (hg19) VCF-style: chr19-7711141-G-A.
Other names: c.1354G>A, p.Gly452Arg (NM_001127396.3); c.1396G>A, p.Gly466Arg (NM_001272034.2); c.1267G>A, p.Gly423Arg (NM_001414484.1); short protein forms G452R, G455R, G423R, G466R.
Identifiers: ClinVar variation 4747467 (VCV004747467.1).